The following is an entry in ClinVar:

ClinVar aggregate classification (germline): Conflicting classifications of pathogenicity. Review status: criteria provided, conflicting classifications (1 of 4 stars). 7 submissions from 7 submitters: Uncertain significance (2); Benign (3); Likely benign (1). 1 of the submissions does not count toward it. Last evaluated 2026-08-01.

Conditions:
PIEZO1-related disorder. Also called: PIEZO1-Related Disorders; PIEZO1-related condition.

Allele frequency attached by ClinVar (database versions not stated): gnomAD exomes 0.00074 and 0.00160; ExAC 0.00249; 1000 Genomes Project 0.00739; 1000 Genomes Project 30x 0.00750; ESP Exome Variant Server 0.00789; gnomAD 0.00804 and 0.00868; TOPMed 0.00886.
gnomAD v4.1: 2,293 of 1,550,214 alleles (0.15%); highest among the groups gnomAD compares: African/African-American, 2.8%; 26 homozygotes.

Submissions (7):

CeGaT Center for Human Genetics Tuebingen
Classification: Benign. Last evaluated: 2026-08-01. Review status: criteria provided, single submitter. Criteria: CeGaT Center For Human Genetics Tuebingen Variant Classification Criteria Version 2. Collection method: clinical testing. Allele origin: germline. Affected: yes. Observed: 5 variant alleles.
Comment: PIEZO1: BP4, BS1, BS2

GeneDx
Classification: Uncertain significance. Last evaluated: 2026-01-28. Review status: criteria provided, single submitter. Criteria: GeneDx Variant Classification Process June 2021. Collection method: clinical testing. Allele origin: germline. Affected: yes.
Comment: Published functional studies demonstrate gain-of-function: delayed return to normal of mechanically activated currents (PMID: 28716860); In silico analysis suggests that this missense variant does not alter protein structure/function; In silico analysis suggests this variant may impact gene splicing. In the absence of RNA/functional studies, the actual effect of this sequence change is unknown.; This variant is associated with the following publications: (PMID: 29576450, 28974772, 30867417, 32112123, 34426522, 35340596, 35747124, 28716860)

Labcorp Genetics (formerly Invitae), Labcorp
Classification: Benign. Last evaluated: 2026-01-20. Review status: criteria provided, single submitter. Criteria: Invitae Variant Classification Sherloc (09022015). Collection method: clinical testing. Allele origin: germline.

Women's Health and Genetics/Laboratory Corporation of America, LabCorp
Classification: Likely benign. Last evaluated: 2025-12-15. Review status: criteria provided, single submitter. Criteria: LabCorp Variant Classification Summary - May 2015. Collection method: clinical testing. Allele origin: germline.

Mayo Clinic Laboratories, Mayo Clinic
Classification: Uncertain significance. Last evaluated: 2025-10-28. Review status: criteria provided, single submitter. Criteria: ACMG Guidelines, 2015. Collection method: clinical testing. Allele origin: germline. Observed: 30 variant alleles.
Comment: BS2, BP4_strong, PS3

ARUP Laboratories, Molecular Genetics and Genomics, ARUP Laboratories
Classification: Benign. Last evaluated: 2025-06-19. Review status: criteria provided, single submitter. Criteria: ARUP Molecular Germline Variant Investigation Process 2024. Collection method: clinical testing. Allele origin: germline.

PreventionGenetics, part of Exact Sciences
Classification: Likely benign for PIEZO1-related condition. Last evaluated: 2021-02-23. Review status: no assertion criteria provided. Collection method: clinical testing. Allele origin: germline. Not counted in ClinVar's aggregate classification.
Comment: This variant is classified as likely benign based on ACMG/AMP sequence variant interpretation guidelines (Richards et al. 2015 PMID: 25741868, with internal and published modifications).

Literature cited by the submitters: PubMed 28716860 (cited by Mayo Clinic Laboratories, Mayo Clinic); PubMed 30867417 (cited by Mayo Clinic Laboratories, Mayo Clinic).

NM_001142864.4(PIEZO1):c.5828G>A (p.Arg1943Gln)

Gene: PIEZO1 (piezo type mechanosensitive ion channel component 1 (Er blood group); minus strand). Cytogenetic location: 16q24.3.
Variant type: single nucleotide variant.
Coding change: c.5828G>A on transcript NM_001142864.4 (MANE Select); coding-DNA position 5828, G replaced by A.
Protein change: p.Arg1943Gln; replaces arginine 1943 with glutamine.
Molecular consequence: missense variant.
Genome position (GRCh38, 1-based): chr16:88,720,506, C>T on the plus strand (G>A on the coding strand, the complement: PIEZO1 is on the minus strand). VCF-style: chr16-88720506-C-T. GRCh37 (hg19) VCF-style: chr16-88786914-C-T.
Other names: short protein forms R1943Q.
Identifiers: ClinVar variation 709095 (VCV000709095.55), dbSNP rs115799619, ClinGen allele CA8231759.